The following is an entry in ClinVar:

ClinVar aggregate classification (germline): Uncertain significance (1 of 4 stars; one submission).

Conditions:
Dilated cardiomyopathy 1II (CMD1II). Identifiers: Orphanet 154, MedGen C3554649, MONDO:0014073, OMIM 615184.

Submission:

Labcorp Genetics (formerly Invitae), Labcorp
Classification: Uncertain significance for Dilated cardiomyopathy 1II. Last evaluated: 2024-07-30. Review status: criteria provided, single submitter. Criteria: Invitae Variant Classification Sherloc (09022015). Collection method: clinical testing. Allele origin: germline.
Comment: This sequence change replaces leucine, which is neutral and non-polar, with proline, which is neutral and non-polar, at codon 37 of the CRYAB protein (p.Leu37Pro). This variant is not present in population databases (gnomAD no frequency). This variant has not been reported in the literature in individuals affected with CRYAB-related conditions. An algorithm developed to predict the effect of missense changes on protein structure and function (PolyPhen-2) suggests that this variant is likely to be disruptive. In summary, the available evidence is currently insufficient to determine the role of this variant in disease. Therefore, it has been classified as a Variant of Uncertain Significance.

NM_001289808.2(CRYAB):c.110T>C (p.Leu37Pro)

Gene: CRYAB (crystallin alpha B; minus strand). Cytogenetic location: 11q23.1.
Variant type: single nucleotide variant.
Coding change: c.110T>C on transcript NM_001289808.2 (MANE Select); coding-DNA position 110, T replaced by C.
Protein change: p.Leu37Pro; replaces leucine 37 with proline.
Molecular consequence: missense variant.
Genome position (GRCh38, 1-based): chr11:111,911,615, A>G on the plus strand (T>C on the coding strand, the complement: CRYAB is on the minus strand). VCF-style: chr11-111911615-A-G. GRCh37 (hg19) VCF-style: chr11-111782339-A-G.
Other names: c.110T>C, p.Leu37Pro (NM_001289807.1, NM_001368245.1, NM_001885.3); short protein forms L37P.
Identifiers: ClinVar variation 3660818 (VCV003660818.2).